The following is an entry in ClinVar:

ClinVar aggregate classification (germline): Likely benign. Review status: criteria provided, multiple submitters, no conflicts (2 of 4 stars). 3 submissions from 3 submitters: Likely benign (2). 1 of the submissions does not count toward it. Last evaluated 2026-01-01.

Conditions:
COL11A1-related disorder. Also called: COL11A1-related disorders; COL11A1-related condition.

Allele frequency attached by ClinVar (database versions not stated): gnomAD 0.00088 and 0.00129; ExAC 0.00573.
gnomAD v4.1: 60 of 560,616 alleles (0.011%); highest among the groups gnomAD compares: East Asian, 0.046%; no homozygotes.

Submissions (3):

Labcorp Genetics (formerly Invitae), Labcorp
Classification: Likely benign. Last evaluated: 2026-01-01. Review status: criteria provided, single submitter. Criteria: Invitae Variant Classification Sherloc (09022015). Collection method: clinical testing. Allele origin: germline.

Blueprint Genetics
Classification: Likely benign. Last evaluated: 2024-09-19. Review status: criteria provided, single submitter. Criteria: ACMG Guidelines, 2015. Collection method: clinical testing. Allele origin: germline.

PreventionGenetics, part of Exact Sciences
Classification: Likely benign for COL11A1-related condition. Last evaluated: 2022-08-21. Review status: no assertion criteria provided. Collection method: clinical testing. Allele origin: germline. Not counted in ClinVar's aggregate classification.
Comment: This variant is classified as likely benign based on ACMG/AMP sequence variant interpretation guidelines (Richards et al. 2015 PMID: 25741868, with internal and published modifications).

NM_001854.4(COL11A1):c.652-7T>C

Gene: COL11A1 (collagen type XI alpha 1 chain; minus strand). Cytogenetic location: 1p21.1.
Variant type: single nucleotide variant.
Coding change: c.652-7T>C on transcript NM_001854.4 (MANE Select); 7 bases into the intron before coding-DNA position 652, T replaced by C.
Molecular consequence: intron variant.
Genome position (GRCh38, 1-based): chr1:103,031,251, A>G on the plus strand (T>C on the coding strand, the complement: COL11A1 is on the minus strand). VCF-style: chr1-103031251-A-G. GRCh37 (hg19) VCF-style: chr1-103496807-A-G.
Other names: c.652-7T>C (NM_001854.3, NM_001190709.2, NM_080629.3 and 1 more transcripts).
Identifiers: ClinVar variation 1518452 (VCV001518452.11), dbSNP rs760697835, ClinGen allele CA975360.